The following is an entry in ClinVar:

NM_003873.7(NRP1):c.1765A>G (p.Thr589Ala)

Gene: NRP1 (neuropilin 1; minus strand). Cytogenetic location: 10p11.22.
Variant type: single nucleotide variant.
Coding change: c.1765A>G on transcript NM_003873.7 (MANE Select); coding-DNA position 1765, A replaced by G.
Protein change: p.Thr589Ala; replaces threonine 589 with alanine.
Molecular consequence: missense variant. On other transcripts: non-coding transcript variant (1), intron variant (1).
Genome position (GRCh38, 1-based): chr10:33,202,990, T>C on the plus strand (A>G on the coding strand, the complement: NRP1 is on the minus strand). VCF-style: chr10-33202990-T-C. GRCh37 (hg19) VCF-style: chr10-33491918-T-C.
Other names: c.1765A>G, p.Thr589Ala (NM_001024628.3, NM_001244972.2, NM_001244973.2 and 1 more transcripts); c.1759+4582A>G (NM_001024629.3); short protein forms T589A.
Identifiers: ClinVar variation 4996420 (VCV004996420.1).

ClinVar aggregate classification (germline): Uncertain significance (1 of 4 stars; one submission).

Conditions:
NRP1-related disorder. Also called: NRP1-related condition.

Submission:

PreventionGenetics, part of Exact Sciences
Classification: Uncertain significance for NRP1-related condition. Last evaluated: 2025-12-02. Review status: criteria provided, single submitter. Criteria: ACMG Guidelines, 2015. Collection method: clinical testing. Allele origin: germline.
Comment: The NRP1 c.1765A>G variant is predicted to result in the amino acid substitution p.Thr589Ala. To our knowledge, this variant has not been reported in the literature or in a large population database (gnomAD), indicating this variant is rare. At this time, the clinical significance of this variant is uncertain due to the absence of conclusive functional and genetic evidence.